The following is an entry in ClinVar:

NM_006438.5(COLEC10):c.168A>G (p.Gly56=)

Gene: COLEC10 (collectin subfamily member 10; plus strand). Cytogenetic location: 8q24.12.
Variant type: single nucleotide variant.
Coding change: c.168A>G on transcript NM_006438.5 (MANE Select); coding-DNA position 168, A replaced by G.
Protein change: p.Gly56=; no amino-acid change (glycine 56 retained).
Molecular consequence: synonymous variant. On other transcripts: 5 prime UTR variant (1).
Genome position (GRCh38, 1-based): chr8:119,089,699, A>G. VCF-style: chr8-119089699-A-G. GRCh37 (hg19) VCF-style: chr8-120101938-A-G.
Other names: c.-40A>G (NM_001324095.2).
Identifiers: ClinVar variation 4985235 (VCV004985235.1).

ClinVar aggregate classification (germline): Benign (1 of 4 stars; one submission).

Conditions:
COLEC10-related disorder. Also called: COLEC10-related condition.

gnomAD v4.1: 47,042 of 1,613,136 alleles (2.9%); highest among the groups gnomAD compares: African/African-American, 6.3%; 836 homozygotes.

Submission:

PreventionGenetics, part of Exact Sciences
Classification: Benign for COLEC10-related condition. Last evaluated: 2025-09-12. Review status: criteria provided, single submitter. Criteria: ACMG Guidelines, 2015. Collection method: clinical testing. Allele origin: germline.
Comment: This variant is classified as benign based on ACMG/AMP sequence variant interpretation guidelines (Richards et al. 2015 PMID: 25741868, with internal and published modifications).